The following is an entry in ClinVar:

NM_002474.3(MYH11):c.840A>T (p.Thr280=)

Gene: MYH11 (myosin heavy chain 11; minus strand). Cytogenetic location: 16p13.11.
Variant type: single nucleotide variant.
Coding change: c.840A>T on transcript NM_002474.3 (MANE Select); coding-DNA position 840, A replaced by T.
Protein change: p.Thr280=; no amino-acid change (threonine 280 retained).
Molecular consequence: synonymous variant.
Genome position (GRCh38, 1-based): chr16:15,776,127, T>A on the plus strand (A>T on the coding strand, the complement: MYH11 is on the minus strand). VCF-style: chr16-15776127-T-A. GRCh37 (hg19) VCF-style: chr16-15869984-T-A.
Other names: c.861A>T, p.Thr287= (NM_001040113.2, NM_001040114.2); c.840A>T, p.Thr280= (NM_022844.3).
Identifiers: ClinVar variation 413429 (VCV000413429.16), dbSNP rs376999218, ClinGen allele CA16614679.

ClinVar aggregate classification (germline): Likely benign. Review status: criteria provided, multiple submitters, no conflicts (2 of 4 stars). 4 submissions from 4 submitters: Likely benign (4). Last evaluated 2025-09-03.

Conditions:
Aortic aneurysm, familial thoracic 4 (AAT4). Also called: AORTIC ANEURYSM/AORTIC DISSECTION AND PATENT DUCTUS ARTERIOSUS. Identifiers: MedGen C1851504, MONDO:0007568, OMIM 132900.
Familial thoracic aortic aneurysm and aortic dissection (TAAD). Also called: Thoracic aortic aneurysms and dissections. Identifiers: Orphanet 91387, MedGen C4707243, MONDO:0019625.

Allele frequency attached by ClinVar (database versions not stated): TOPMed 0.00002.

Submissions (4):

Labcorp Genetics (formerly Invitae), Labcorp
Classification: Likely benign for Aortic aneurysm, familial thoracic 4. Last evaluated: 2025-09-03. Review status: criteria provided, single submitter. Criteria: Invitae Variant Classification Sherloc (09022015). Collection method: clinical testing. Allele origin: germline.

All of Us Research Program, National Institutes of Health
Classification: Likely benign for Familial thoracic aortic aneurysm and aortic dissection. Last evaluated: 2024-05-14. Review status: criteria provided, single submitter. Criteria: ACMG Guidelines, 2015. Collection method: clinical testing. Allele origin: germline. Inheritance: Autosomal dominant inheritance. Observed: 6 variant alleles, 6 heterozygotes.
Comment: This study involves interpretation of variants in research participants for the purpose of population health screening. Participant phenotype was not available at the time of variant classification. Additional details can be found in publication PMID: 35346344, PMCID: PMC8962531

Ambry Genetics
Classification: Likely benign for Familial thoracic aortic aneurysm and aortic dissection. Last evaluated: 2019-11-06. Review status: criteria provided, single submitter. Criteria: Ambry Variant Classification Scheme 2023. Collection method: clinical testing. Allele origin: germline.

Color Diagnostics, LLC DBA Color Health
Classification: Likely benign for Familial thoracic aortic aneurysm and aortic dissection. Last evaluated: 2019-05-16. Review status: criteria provided, single submitter. Criteria: ACMG Guidelines, 2015. Collection method: clinical testing. Allele origin: germline.